The following is an entry in ClinVar:

NM_004341.5(CAD):c.4722G>T (p.Trp1574Cys)

Gene: CAD (carbamoyl-phosphate synthetase 2, aspartate transcarbamylase, and dihydroorotase; plus strand). Cytogenetic location: 2p23.3.
Variant type: single nucleotide variant.
Coding change: c.4722G>T on transcript NM_004341.5 (MANE Select); coding-DNA position 4722, G replaced by T.
Protein change: p.Trp1574Cys; replaces tryptophan 1574 with cysteine.
Molecular consequence: missense variant.
Genome position (GRCh38, 1-based): chr2:27,237,876, G>T. VCF-style: chr2-27237876-G-T. GRCh37 (hg19) VCF-style: chr2-27460744-G-T.
Other names: c.4533G>T, p.Trp1511Cys (NM_001306079.2); short protein forms W1511C, W1574C.
Identifiers: ClinVar variation 2417373 (VCV002417373.5), dbSNP rs966829202, ClinGen allele CA346221290.

ClinVar aggregate classification (germline): Uncertain significance (1 of 4 stars; one submission).

Allele frequency attached by ClinVar (database versions not stated): gnomAD 0.00001; TOPMed 0.00001.
gnomAD v4.1: 2 of 1,610,142 alleles (0.00012%); highest among the groups gnomAD compares: Admixed American, 0.0017%; no homozygotes.

Submission:

Labcorp Genetics (formerly Invitae), Labcorp
Classification: Uncertain significance. Last evaluated: 2024-12-02. Review status: criteria provided, single submitter. Criteria: Invitae Variant Classification Sherloc (09022015). Collection method: clinical testing. Allele origin: germline.
Comment: This sequence change replaces tryptophan, which is neutral and slightly polar, with cysteine, which is neutral and slightly polar, at codon 1574 of the CAD protein (p.Trp1574Cys). This variant is present in population databases (no rsID available, gnomAD no frequency). This variant has not been reported in the literature in individuals affected with CAD-related conditions. ClinVar contains an entry for this variant (Variation ID: 2417373). An algorithm developed to predict the effect of missense changes on protein structure and function (PolyPhen-2) suggests that this variant is likely to be disruptive. In summary, the available evidence is currently insufficient to determine the role of this variant in disease. Therefore, it has been classified as a Variant of Uncertain Significance.